The following is an entry in ClinVar:

NM_001692.4(ATP6V1B1):c.824C>T (p.Thr275Ile)

Gene: ATP6V1B1 (ATPase H+ transporting V1 subunit B1; plus strand). Cytogenetic location: 2p13.3.
Variant type: single nucleotide variant.
Coding change: c.824C>T on transcript NM_001692.4 (MANE Select); coding-DNA position 824, C replaced by T.
Protein change: p.Thr275Ile; replaces threonine 275 with isoleucine.
Molecular consequence: missense variant.
Genome position (GRCh38, 1-based): chr2:70,962,815, C>T. VCF-style: chr2-70962815-C-T. GRCh37 (hg19) VCF-style: chr2-71189945-C-T.
Other names: short protein forms T275I.
Identifiers: ClinVar variation 4527212 (VCV004527212.1).

ClinVar aggregate classification (germline): Uncertain significance (1 of 4 stars; one submission).

gnomAD v4.1: 1 of 1,614,196 alleles (0.000062%); highest among the groups gnomAD compares: Non-Finnish European, 0.000085%; no homozygotes.

Submission:

GeneDx
Classification: Uncertain significance. Last evaluated: 2025-04-24. Review status: criteria provided, single submitter. Criteria: GeneDx Variant Classification Process June 2021. Collection method: clinical testing. Allele origin: germline. Affected: yes.
Comment: Not observed at significant frequency in large population cohorts (gnomAD); In silico analysis supports that this missense variant has a deleterious effect on protein structure/function; Has not been previously published as pathogenic or benign to our knowledge